The following is an entry in ClinVar:

ClinVar aggregate classification (germline): Uncertain significance (1 of 4 stars; one submission).

Conditions:
Polycystic kidney disease, adult type (PKD1). Also called: Polycystic Kidney, Autosomal Dominant; POLYCYSTIC KIDNEY DISEASE, ADULT, TYPE I; Polycystic Kidney Disease 1, Autosomal Dominant; Polycystic kidney disease 1; Polycystic kidney disease 1, severe; POLYCYSTIC KIDNEY DISEASE 1 WITH OR WITHOUT POLYCYSTIC LIVER DISEASE. Identifiers: MedGen C3149841, MONDO:0008263, OMIM 173900.

Submission:

MVZ Medizinische Genetik Mainz
Classification: Uncertain significance for Polycystic kidney disease, adult type. Last evaluated: 2025-09-16. Review status: criteria provided, single submitter. Criteria: UK Practice Guidelines For Variant Classification V4 01 2020. Collection method: clinical testing. Allele origin: germline. Inheritance: Autosomal dominant inheritance. Affected: yes. Observed: 1 variant allele.
Comment: ACMG Criteria: PP3_MOD,PM2_SUP,PP4

NM_001009944.3(PKD1):c.6785G>T (p.Gly2262Val)

Gene: PKD1 (polycystin 1, transient receptor potential channel interacting; minus strand). Cytogenetic location: 16p13.3.
Variant type: single nucleotide variant.
Coding change: c.6785G>T on transcript NM_001009944.3 (MANE Select); coding-DNA position 6785, G replaced by T.
Protein change: p.Gly2262Val; replaces glycine 2262 with valine.
Molecular consequence: missense variant.
Genome position (GRCh38, 1-based): chr16:2,108,382, C>A on the plus strand (G>T on the coding strand, the complement: PKD1 is on the minus strand). VCF-style: chr16-2108382-C-A. GRCh37 (hg19) VCF-style: chr16-2158383-C-A.
Other names: c.6785G>T, p.Gly2262Val (NM_000296.4); short protein forms G2262V.
Identifiers: ClinVar variation 4526544 (VCV004526544.1).